The following is an entry in ClinVar:

NM_003177.7(SYK):c.1044C>T (p.Tyr348=)

Gene: SYK (spleen associated tyrosine kinase; plus strand). Cytogenetic location: 9q22.2.
Variant type: single nucleotide variant.
Coding change: c.1044C>T on transcript NM_003177.7 (MANE Select); coding-DNA position 1044, C replaced by T.
Protein change: p.Tyr348=; no amino-acid change (tyrosine 348 retained).
Molecular consequence: synonymous variant.
Genome position (GRCh38, 1-based): chr9:90,874,712, C>T. VCF-style: chr9-90874712-C-T. GRCh37 (hg19) VCF-style: chr9-93636994-C-T.
Other names: c.975C>T, p.Tyr325= (NM_001135052.4, NM_001174168.3); c.1044C>T, p.Tyr348= (NM_001174167.3).
Identifiers: ClinVar variation 4983429 (VCV004983429.1).

ClinVar aggregate classification (germline): Likely benign (1 of 4 stars; one submission).

Conditions:
SYK-related disorder. Also called: SYK-related condition.

gnomAD v4.1: 66 of 1,614,042 alleles (0.0041%); highest among the groups gnomAD compares: Middle Eastern, 0.083%; no homozygotes.

Submission:

PreventionGenetics, part of Exact Sciences
Classification: Likely benign for SYK-related condition. Last evaluated: 2025-01-14. Review status: criteria provided, single submitter. Criteria: ACMG Guidelines, 2015. Collection method: clinical testing. Allele origin: germline.
Comment: This variant is classified as likely benign based on ACMG/AMP sequence variant interpretation guidelines (Richards et al. 2015 PMID: 25741868, with internal and published modifications).